The following is an entry in ClinVar:

ClinVar aggregate classification (germline): Pathogenic (1 of 4 stars; one submission).

Submission:

CeGaT Center for Human Genetics Tuebingen
Classification: Pathogenic. Last evaluated: 2026-05-01. Review status: criteria provided, single submitter. Criteria: CeGaT Center For Human Genetics Tuebingen Variant Classification Criteria Version 2. Collection method: clinical testing. Allele origin: germline. Affected: yes. Observed: 1 variant allele.
Comment: PTCD3: PVS1, PM2

NM_017952.6(PTCD3):c.695del (p.His232fs)

Gene: PTCD3 (pentatricopeptide repeat domain 3; plus strand). Cytogenetic location: 2p11.2.
Variant type: Deletion.
Coding change: c.695del on transcript NM_017952.6 (MANE Select); coding-DNA position 695, one base deleted (A; older notation c.695delA).
Protein change: p.His232fs; shifts the reading frame from histidine 232.
Molecular consequence: frameshift variant.
Genome position (GRCh38, 1-based): chr2:86,123,741, A deleted. VCF-style (leftmost placement, unchanged base first): chr2-86123740-CA-C. GRCh37 (hg19) VCF-style: chr2-86350863-CA-C.
Other names: short protein forms H232fs.
Identifiers: ClinVar variation 4873484 (VCV004873484.2).